The following is an entry in ClinVar:

NM_002715.4(PPP2CA):c.323G>A (p.Arg108His)

Gene: PPP2CA (protein phosphatase 2 catalytic subunit alpha; minus strand). Cytogenetic location: 5q31.1.
Variant type: single nucleotide variant.
Coding change: c.323G>A on transcript NM_002715.4 (MANE Select); coding-DNA position 323, G replaced by A.
Protein change: p.Arg108His; replaces arginine 108 with histidine.
Molecular consequence: missense variant. On other transcripts: non-coding transcript variant (1).
Genome position (GRCh38, 1-based): chr5:134,202,011, C>T on the plus strand (G>A on the coding strand, the complement: PPP2CA is on the minus strand). VCF-style: chr5-134202011-C-T. GRCh37 (hg19) VCF-style: chr5-133537702-C-T.
Other names: c.128G>A, p.Arg43His (NM_001355019.2); short protein forms R43H, R108H.
Identifiers: ClinVar variation 2186825 (VCV002186825.5), dbSNP rs780060316, ClinGen allele CA3412836.

ClinVar aggregate classification (germline): Conflicting classifications of pathogenicity. Review status: criteria provided, conflicting classifications (1 of 4 stars). 2 submissions from 2 submitters: Uncertain significance (1); Benign (1). Last evaluated 2025-05-19.

Conditions:
Houge-Janssens syndrome 3. Also called: NEURODEVELOPMENTAL DISORDER AND LANGUAGE DELAY WITH OR WITHOUT STRUCTURAL BRAIN ABNORMALITIES. Identifiers: MedGen C5193048, MONDO:0032697, OMIM 618354.

Allele frequency attached by ClinVar (database versions not stated): gnomAD 0.00001; ExAC 0.00002; TOPMed 0.00002.
gnomAD v4.1: 21 of 1,596,012 alleles (0.0013%); highest among the groups gnomAD compares: African/African-American, 0.0068%; no homozygotes.

Submissions (2):

Labcorp Genetics (formerly Invitae), Labcorp
Classification: Benign. Last evaluated: 2025-05-19. Review status: criteria provided, single submitter. Criteria: Invitae Variant Classification Sherloc (09022015). Collection method: clinical testing. Allele origin: germline.

Pittsburgh Clinical Genomics Laboratory, University of Pittsburgh Medical Center
Classification: Uncertain significance for Houge-Janssens syndrome 3. Last evaluated: 2023-03-20. Review status: criteria provided, single submitter. Criteria: ACMG Guidelines, 2015. Collection method: clinical testing. Allele origin: germline. Inheritance: Autosomal dominant inheritance. Affected: yes.
Comment: This sequence variant is a single nucleotide substitution (G>A) at coding nucleotide 323 of the PPP2CA gene that results in an arginine to histidine amino acid change at residue 108 of the PPP2CA protein. This is a previously reported variant (ClinVar) that has not been observed in individuals with a PPP2CA-related disorder in the published literature, to our knowledge. This variant is present in 7 of 232,866 (0.003%) alleles in the gnomAD population database. Multiple bioinformatic tools predict that this arginine to histidine amino acid change would be damaging, and the arginine residue at this position is strongly conserved across the vertebrate species examined. Studies examining the functiol consequence of this variant have not been published, to our knowledge. At this time, there is insufficient evidence to determine if this variant is pathogenic or benign. Therefore, we consider this a variant of uncertain significance. ACMG Criteria: PM2, PP3